The following is an entry in ClinVar:

NM_000399.5(EGR2):c.229A>G (p.Ser77Gly)

Gene: EGR2 (early growth response 2; minus strand). Cytogenetic location: 10q21.3.
Variant type: single nucleotide variant.
Coding change: c.229A>G on transcript NM_000399.5 (MANE Select); coding-DNA position 229, A replaced by G.
Protein change: p.Ser77Gly; replaces serine 77 with glycine.
Molecular consequence: missense variant.
Genome position (GRCh38, 1-based): chr10:62,814,409, T>C on the plus strand (A>G on the coding strand, the complement: EGR2 is on the minus strand). VCF-style: chr10-62814409-T-C. GRCh37 (hg19) VCF-style: chr10-64574169-T-C.
Other names: c.229A>G, p.Ser77Gly (NM_001136177.3, NM_001136178.2); c.79A>G, p.Ser27Gly (NM_001136179.3, NM_001321037.2); short protein forms S27G, S77G.
Identifiers: ClinVar variation 1056345 (VCV001056345.12), dbSNP rs554815622, ClinGen allele CA5517298.

ClinVar aggregate classification (germline): Uncertain significance. Review status: criteria provided, multiple submitters, no conflicts (2 of 4 stars). 2 submissions from 2 submitters: Uncertain significance (2). Last evaluated 2024-02-25.

Conditions:
Charcot-Marie-Tooth disease, type I (CMT1). Also called: Charcot-Marie-Tooth disease type 1; Charcot-Marie-Tooth, Type 1. Identifiers: Orphanet 65753, MedGen C0751036, MONDO:0019011.

Allele frequency attached by ClinVar (database versions not stated): TOPMed below 0.00001; gnomAD 0.00002; gnomAD exomes 0.00004 and 0.00008; ExAC 0.00013; 1000 Genomes Project 30x 0.00031; 1000 Genomes Project 0.00040.
gnomAD v4.1: 59 of 1,614,160 alleles (0.0037%); highest among the groups gnomAD compares: South Asian, 0.052%; no homozygotes.

Submissions (2):

Labcorp Genetics (formerly Invitae), Labcorp
Classification: Uncertain significance for Charcot-Marie-Tooth disease, type I. Last evaluated: 2024-02-25. Review status: criteria provided, single submitter. Criteria: Invitae Variant Classification Sherloc (09022015). Collection method: clinical testing. Allele origin: germline.
Comment: This sequence change replaces serine, which is neutral and polar, with glycine, which is neutral and non-polar, at codon 77 of the EGR2 protein (p.Ser77Gly). This variant is present in population databases (rs554815622, gnomAD 0.06%). This missense change has been observed in individual(s) with Charcot-Marie-Tooth disease (PMID: 32376792). ClinVar contains an entry for this variant (Variation ID: 1056345). Advanced modeling of protein sequence and biophysical properties (such as structural, functional, and spatial information, amino acid conservation, physicochemical variation, residue mobility, and thermodynamic stability) performed at Invitae indicates that this missense variant is not expected to disrupt EGR2 protein function with a negative predictive value of 80%. In summary, the available evidence is currently insufficient to determine the role of this variant in disease. Therefore, it has been classified as a Variant of Uncertain Significance.

GeneDx
Classification: Uncertain significance. Last evaluated: 2020-02-12. Review status: criteria provided, single submitter. Criteria: GeneDx Variant Classification Process June 2021. Collection method: clinical testing. Allele origin: germline. Affected: yes.
Comment: In silico analysis supports that this missense variant does not alter protein structure/function; Has not been previously published as pathogenic or benign to our knowledge; This variant is associated with the following publications: (PMID: 32376792)

Literature cited by the submitters: PubMed 32376792 (cited by Labcorp Genetics (formerly Invitae), Labcorp).